The following is an entry in ClinVar:

ClinVar aggregate classification (germline): Uncertain significance (1 of 4 stars; one submission).

Conditions:
Familial hypocalciuric hypercalcemia (FHH). Also called: Familial benign hypercalcemia. Identifiers: Orphanet 405, MedGen C1809471, MONDO:0018458.
Autosomal dominant hypocalcemia 1 (HYPOC1). Also called: HYPOCALCEMIA, FAMILIAL. Identifiers: MedGen C3715128, MONDO:0011013, OMIM 601198.

Submission:

Labcorp Genetics (formerly Invitae), Labcorp
Classification: Uncertain significance for Familial hypocalciuric hypercalcemia; Autosomal dominant hypocalcemia 1. Last evaluated: 2023-05-11. Review status: criteria provided, single submitter. Criteria: Invitae Variant Classification Sherloc (09022015). Collection method: clinical testing. Allele origin: germline.
Comment: In summary, the available evidence is currently insufficient to determine the role of this variant in disease. Therefore, it has been classified as a Variant of Uncertain Significance. An algorithm developed to predict the effect of missense changes on protein structure and function (PolyPhen-2) suggests that this variant is likely to be disruptive. This variant has not been reported in the literature in individuals affected with CASR-related conditions. This variant is not present in population databases (gnomAD no frequency). This sequence change replaces histidine, which is basic and polar, with tyrosine, which is neutral and polar, at codon 495 of the CASR protein (p.His495Tyr).

NM_000388.4(CASR):c.1483C>T (p.His495Tyr)

Gene: CASR (calcium sensing receptor; plus strand). Cytogenetic location: 3q21.1.
Variant type: single nucleotide variant.
Coding change: c.1483C>T on transcript NM_000388.4 (MANE Select); coding-DNA position 1483, C replaced by T.
Protein change: p.His495Tyr; replaces histidine 495 with tyrosine.
Molecular consequence: missense variant.
Genome position (GRCh38, 1-based): chr3:122,275,917, C>T. VCF-style: chr3-122275917-C-T. GRCh37 (hg19) VCF-style: chr3-121994764-C-T.
Other names: c.1483C>T, p.His495Tyr (NM_001178065.2); short protein forms H495Y.
Identifiers: ClinVar variation 2947645 (VCV002947645.3), dbSNP rs2473257904, ClinGen allele CA354155197.